The following is an entry in ClinVar:

NM_001164508.2(NEB):c.1777A>G (p.Ser593Gly)

Gene: NEB (nebulin; minus strand). Cytogenetic location: 2q23.3.
Variant type: single nucleotide variant.
Coding change: c.1777A>G on transcript NM_001164508.2 (MANE Select); coding-DNA position 1777, A replaced by G.
Protein change: p.Ser593Gly; replaces serine 593 with glycine.
Molecular consequence: missense variant.
Genome position (GRCh38, 1-based): chr2:151,694,527, T>C on the plus strand (A>G on the coding strand, the complement: NEB is on the minus strand). VCF-style: chr2-151694527-T-C. GRCh37 (hg19) VCF-style: chr2-152551041-T-C.
Other names: c.1777A>G, p.Ser593Gly (NM_001164507.2, NM_001271208.2, NM_004543.5); c.1777A>G (NM_004543.4); short protein forms S593G.
Identifiers: ClinVar variation 1423717 (VCV001423717.4), dbSNP rs200951652, ClinGen allele CA1911457.
Genomic context (GRCh38, chr2:151,694,527, plus strand): 5'-CTCAAGAGGAAATGTCCCCGAAGCCAGCCTGTCCAGGTCCCCAGGCCACACTCACATCGC[T>C]GGTGTTCTTGGTGTTGGCTTTGGCTGCCAGCAGGGGAATGGCATCCACTTTAATGTCAAA-3'
Protein context (NP_001157980.2, residues 583-603): LAAKANTKNT[Ser593Gly]DVMYKKDYEK

ClinVar aggregate classification (germline): Uncertain significance. Review status: criteria provided, multiple submitters, no conflicts (2 of 4 stars). 2 submissions from 2 submitters: Uncertain significance (2). Last evaluated 2026-06-03.

Conditions:
Inborn genetic diseases. Identifiers: MedGen C0950123, MeSH D030342.
Nemaline myopathy 2 (NEM2). Also called: Nemaline myopathy 2, autosomal recessive. Identifiers: MedGen C1850569, MONDO:0009725, OMIM 256030.

Allele frequency attached by ClinVar (database versions not stated): gnomAD 0.00001; ExAC 0.00002; gnomAD exomes 0.00001; TOPMed 0.00001.
gnomAD v4.1: 4 of 1,613,338 alleles (0.00025%); highest among the groups gnomAD compares: Non-Finnish European, 0.00034%; no homozygotes.

Submissions (2):

Ambry Genetics
Classification: Uncertain significance for Inborn genetic diseases. Last evaluated: 2026-06-03. Review status: criteria provided, single submitter. Criteria: Ambry Variant Classification Scheme 2023. Collection method: clinical testing. Allele origin: germline.

Labcorp Genetics (formerly Invitae), Labcorp
Classification: Uncertain significance for Nemaline myopathy 2. Last evaluated: 2021-10-31. Review status: criteria provided, single submitter. Criteria: Invitae Variant Classification Sherloc (09022015). Collection method: clinical testing. Allele origin: germline.
Comment: This sequence change replaces serine, which is neutral and polar, with glycine, which is neutral and non-polar, at codon 593 of the NEB protein (p.Ser593Gly). This variant is present in population databases (rs200951652, gnomAD 0.002%). This variant has not been reported in the literature in individuals affected with NEB-related conditions. Algorithms developed to predict the effect of missense changes on protein structure and function are either unavailable or do not agree on the potential impact of this missense change (SIFT: "Deleterious"; PolyPhen-2: "Not Available"; Align-GVGD: "Class C0"). In summary, the available evidence is currently insufficient to determine the role of this variant in disease. Therefore, it has been classified as a Variant of Uncertain Significance.